The following is an entry in ClinVar:

ClinVar aggregate classification (germline): Uncertain significance (1 of 4 stars; one submission).

Conditions:
Emery-Dreifuss muscular dystrophy 4, autosomal dominant (EDMD4). Also called: EMERY-DREIFUSS MUSCULAR DYSTROPHY 4 WITH VARIABLE FEATURES. Identifiers: Orphanet 261, MedGen C2751807, MONDO:0013071, OMIM 612998.
Autosomal recessive ataxia, Beauce type. Also called: Spinocerebellar ataxia, autosomal recessive 8; ATAXIA, RECESSIVE, OF BEAUCE; SYNE1-Related Autosomal Recessive Cerebellar Ataxia; SYNE1 Deficiency. Identifiers: Orphanet 88644, MedGen C1853116, MONDO:0012549, OMIM 610743.

Allele frequency attached by ClinVar (database versions not stated): gnomAD exomes below 0.00001; ExAC 0.00001.

Submission:

Labcorp Genetics (formerly Invitae), Labcorp
Classification: Uncertain significance for Emery-Dreifuss muscular dystrophy 4, autosomal dominant; Autosomal recessive ataxia, Beauce type. Last evaluated: 2018-10-05. Review status: criteria provided, single submitter. Criteria: Invitae Variant Classification Sherloc (09022015). Collection method: clinical testing. Allele origin: germline.
Comment: Algorithms developed to predict the effect of missense changes on protein structure and function are either unavailable or do not agree on the potential impact of this missense change (SIFT: "Deleterious"; PolyPhen-2: "Benign"; Align-GVGD: "Class C0"). In summary, the available evidence is currently insufficient to determine the role of this variant in disease. Therefore, it has been classified as a Variant of Uncertain Significance. Algorithms developed to predict the effect of sequence changes on RNA splicing suggest that this variant may create or strengthen a splice site, but this prediction has not been confirmed by published transcriptional studies. This variant has not been reported in the literature in individuals with SYNE1-related disease. This variant is present in population databases (rs746476950, ExAC 0.01%). This sequence change replaces histidine with tyrosine at codon 928 of the SYNE1 protein (p.His928Tyr). The histidine residue is moderately conserved and there is a moderate physicochemical difference between histidine and tyrosine.

NM_182961.4(SYNE1):c.2761C>T (p.His921Tyr)

Gene: SYNE1 (spectrin repeat containing nuclear envelope protein 1; minus strand). Cytogenetic location: 6q25.2.
Variant type: single nucleotide variant.
Coding change: c.2761C>T on transcript NM_182961.4 (MANE Select); coding-DNA position 2761, C replaced by T.
Protein change: p.His921Tyr; replaces histidine 921 with tyrosine.
Molecular consequence: missense variant.
Genome position (GRCh38, 1-based): chr6:152,455,557, G>A on the plus strand (C>T on the coding strand, the complement: SYNE1 is on the minus strand). VCF-style: chr6-152455557-G-A. GRCh37 (hg19) VCF-style: chr6-152776692-G-A.
Other names: c.2782C>T, p.His928Tyr (NM_033071.5); short protein forms H921Y, H928Y.
Identifiers: ClinVar variation 659287 (VCV000659287.8), dbSNP rs746476950, ClinGen allele CA4059032.